The following is an entry in ClinVar:

ClinVar aggregate classification (germline): Pathogenic/Likely pathogenic. Review status: criteria provided, multiple submitters, no conflicts (2 of 4 stars). 5 submissions from 5 submitters: Pathogenic (2); Likely pathogenic (2). 1 of the submissions does not count toward it. Last evaluated 2025-04-02.

Conditions:
L1CAM-related disorder. Also called: L1CAM-related condition.
Spastic paraplegia. Identifiers: MedGen C0037772, HP:0001258.
X-linked hydrocephalus syndrome (HYCX). Also called: AQUEDUCTAL STENOSIS, X-LINKED; HYDROCEPHALUS, CONGENITAL, X-LINKED; X-Linked Hydrocephalus with Stenosis of the Aqueduct of Sylvius; X-linked hydrocephalus; X-Linked Hydrocephalus with Stenosis of the Aqueduct of Sylvius (HSAS). Identifiers: Orphanet 2182, MedGen C0265216, MONDO:0010611, OMIM 307000.

Submissions (5):

GeneDx
Classification: Pathogenic. Last evaluated: 2025-04-02. Review status: criteria provided, single submitter. Criteria: GeneDx Variant Classification Process June 2021. Collection method: clinical testing. Allele origin: germline. Affected: yes.
Comment: RNA studies demonstrate a damaging effect: use of a cryptic splice donor site which led to the in-frame deletion of the last 23 amino acids of exon 8 and includes part of the critical Ig domain 3 (PMID: 9643285, 25641508); In silico analysis supports a deleterious effect on splicing; Not observed at significant frequency in large population cohorts (gnomAD); This variant is associated with the following publications: (PMID: 21961551, 11170723, 14556828, 25436522, 9643285, 31572438, 10469653, 25039760, 25641508)

Labcorp Genetics (formerly Invitae), Labcorp
Classification: Pathogenic for Spastic paraplegia. Last evaluated: 2024-10-03. Review status: criteria provided, single submitter. Criteria: Invitae Variant Classification Sherloc (09022015). Collection method: clinical testing. Allele origin: germline.
Comment: This sequence change affects codon 308 of the L1CAM mRNA. It is a 'silent' change, meaning that it does not change the encoded amino acid sequence of the L1CAM protein. This variant is not present in population databases (gnomAD no frequency). This variant has been observed in individual(s) with clinical features of L1 syndrome (PMID: 9643285, 25039760). It has also been observed to segregate with disease in related individuals. ClinVar contains an entry for this variant (Variation ID: 198728). Algorithms developed to predict the effect of sequence changes on RNA splicing suggest that this variant may disrupt the consensus splice site. For these reasons, this variant has been classified as Pathogenic.

PreventionGenetics, part of Exact Sciences
Classification: Likely pathogenic for L1CAM-related condition. Last evaluated: 2022-12-15. Review status: criteria provided, single submitter. Criteria: ACMG Guidelines, 2015. Collection method: clinical testing. Allele origin: germline.
Comment: The L1CAM c.924C>T variant is not predicted to result in an amino acid change (p.=). This variant was reported in multiple affected males with X-linked hydrocephalus from two families (Du et al 1998. PubMed ID: 9643285; Serikawa T et al 2014. PubMed ID: 25039760). RT-PCR analysis indicated that this variant generates a novel splice site within exon 8 and leads to aberrant splicing (Du et al. 1998. PubMed ID: 9643285). In addition, this variant has not been reported in a large population database, indicating it is rare. This variant is interpreted as likely pathogenic.

Eurofins Ntd Llc (ga)
Classification: Likely pathogenic. Last evaluated: 2015-02-10. Review status: criteria provided, single submitter. Criteria: EGL Classification Definitions 2015. Collection method: clinical testing. Allele origin: germline. Observed: 1 variant allele, 1 hemizygote.

OMIM
Classification: Pathogenic for HYDROCEPHALUS, CONGENITAL, X-LINKED. Last evaluated: 1998-06-01. Review status: no assertion criteria provided. Collection method: literature only. Allele origin: germline. Not counted in ClinVar's aggregate classification.

Literature cited by the submitters: PubMed 9643285 (cited by 3 submitters); PubMed 25039760 (cited by Labcorp Genetics (formerly Invitae), Labcorp).

NM_001278116.2(L1CAM):c.924C>T (p.Gly308=)

Gene: L1CAM (L1 cell adhesion molecule; minus strand). Cytogenetic location: Xq28.
Variant type: single nucleotide variant.
Coding change: c.924C>T on transcript NM_001278116.2 (MANE Select); coding-DNA position 924, C replaced by T.
Protein change: p.Gly308=; no amino-acid change (glycine 308 retained).
Molecular consequence: synonymous variant.
Genome position (GRCh38, 1-based): chrX:153,870,123, G>A on the plus strand (C>T on the coding strand, the complement: L1CAM is on the minus strand). VCF-style: chrX-153870123-G-A. GRCh37 (hg19) VCF-style: chrX-153135578-G-A.
Other names: L1CAM, 924C-T; 924C-T; c.924C>T, p.Gly308= (NM_000425.5, NM_024003.3); c.909C>T, p.Gly303= (NM_001143963.2).
Identifiers: ClinVar variation 198728 (VCV000198728.11), dbSNP rs797044787, ClinGen allele CA275426.